The following is an entry in ClinVar:

NM_000257.4(MYH7):c.295C>T (p.Pro99Ser)

Gene: MYH7 (myosin heavy chain 7; minus strand). Cytogenetic location: 14q11.2.
Variant type: single nucleotide variant.
Coding change: c.295C>T on transcript NM_000257.4 (MANE Select); coding-DNA position 295, C replaced by T.
Protein change: p.Pro99Ser; replaces proline 99 with serine.
Molecular consequence: missense variant.
Genome position (GRCh38, 1-based): chr14:23,433,134, G>A on the plus strand (C>T on the coding strand, the complement: MYH7 is on the minus strand). VCF-style: chr14-23433134-G-A. GRCh37 (hg19) VCF-style: chr14-23902343-G-A.
Other names: c.295C>T, p.Pro99Ser (NM_001407004.1); short protein forms P99S.
Identifiers: ClinVar variation 3070811 (VCV003070811.1), dbSNP rs1485804763, ClinGen allele CA389053192.

ClinVar aggregate classification (germline): Uncertain significance (1 of 4 stars; one submission).

Conditions:
Cardiomyopathy (CMYO). Also called: Cardiomyopathies. Identifiers: Orphanet 167848, MedGen C0878544, MONDO:0004994, HP:0001638. Inheritance: Various modes of inheritance.

Submission:

All of Us Research Program, National Institutes of Health
Classification: Uncertain significance for Cardiomyopathy. Last evaluated: 2023-05-04. Review status: criteria provided, single submitter. Criteria: ACMG Guidelines, 2015. Collection method: clinical testing. Allele origin: germline. Inheritance: Autosomal dominant inheritance. Observed: 1 variant allele, 1 heterozygote.
Comment: This missense variant replaces proline with serine at codon 99 of the MYH7 protein. Computational prediction suggests that this variant may have deleterious impact on protein structure and function (internally defined REVEL score threshold >= 0.7, PMID: 27666373). To our knowledge, functional studies have not been reported for this variant. This variant has not been reported in individuals affected with MYH7-related disorders in the literature. This variant has not been identified in the general population by the Genome Aggregation Database (gnomAD). The available evidence is insufficient to determine the role of this variant in disease conclusively. Therefore, this variant is classified as a Variant of Uncertain Significance.

This study involves interpretation of variants in research participants for the purpose of population health screening. Participant phenotype was not available at the time of variant classification. Additional details can be found in publication PMID: 35346344, PMCID: PMC8962531